The following is an entry in ClinVar:

NM_001009944.3(PKD1):c.4534G>T (p.Glu1512Ter)

Gene: PKD1 (polycystin 1, transient receptor potential channel interacting; minus strand). Cytogenetic location: 16p13.3.
Variant type: single nucleotide variant.
Coding change: c.4534G>T on transcript NM_001009944.3 (MANE Select); coding-DNA position 4534, G replaced by T.
Protein change: p.Glu1512Ter; replaces glutamic acid 1512 with a stop codon.
Molecular consequence: nonsense.
Genome position (GRCh38, 1-based): chr16:2,110,633, C>A on the plus strand (G>T on the coding strand, the complement: PKD1 is on the minus strand). VCF-style: chr16-2110633-C-A. GRCh37 (hg19) VCF-style: chr16-2160634-C-A.
Other names: c.4534G>T, p.Glu1512Ter (NM_000296.4); short protein forms E1512*.
Identifiers: ClinVar variation 3335843 (VCV003335843.3).

ClinVar aggregate classification (germline): Pathogenic. Review status: criteria provided, multiple submitters, no conflicts (2 of 4 stars). 2 submissions from 2 submitters: Pathogenic (2). Last evaluated 2024-10-24.

Conditions:
Polycystic kidney disease, adult type (PKD1). Also called: POLYCYSTIC KIDNEY DISEASE, ADULT, TYPE I; Polycystic Kidney Disease 1, Autosomal Dominant; Polycystic kidney disease 1; Polycystic kidney disease 1, severe; POLYCYSTIC KIDNEY DISEASE 1 WITH OR WITHOUT POLYCYSTIC LIVER DISEASE; Polycystic Kidney, Autosomal Dominant. Identifiers: MedGen C3149841, MONDO:0008263, OMIM 173900.
PKD1-related disorder. Also called: PKD1-related condition.

Submissions (2):

Blueprint Genetics
Classification: Pathogenic for PKD1-related disorders. Last evaluated: 2024-10-24. Review status: criteria provided, single submitter. Criteria: ACMG Guidelines, 2015. Collection method: clinical testing. Allele origin: germline. Affected: yes. Observed: 2 variant alleles.

Juno Genomics, Hangzhou Juno Genomics, Inc
Classification: Pathogenic for Polycystic kidney disease, adult type. Review status: criteria provided, single submitter. Criteria: ACMG Guidelines, 2015. Collection method: clinical testing. Allele origin: germline. Affected: yes.
Comment: Absent from controls (or at extremely low frequency if recessive) in Genome Aggregation Database, Exome Sequencing Project, 1000 Genomes Project, or Exome Aggregation Consortium.;Null variant in a gene where loss of function (LOF) is a known mechanism of disease.;Patient's phenotype or family history is highly specific for a disease with a single genetic etiology.